The following is an entry in ClinVar:

ClinVar aggregate classification (germline): Conflicting classifications of pathogenicity. Review status: criteria provided, conflicting classifications (1 of 4 stars). 2 submissions from 2 submitters: Uncertain significance (1); Likely benign (1). Last evaluated 2024-04-10.

Conditions:
Hereditary cancer-predisposing syndrome. Also called: Neoplastic Syndromes, Hereditary; Tumor predisposition; Hereditary Cancer Syndrome; Hereditary neoplastic syndrome. Identifiers: Orphanet 140162, MedGen C0027672, MeSH D009386, MONDO:0015356.
Hereditary breast ovarian cancer syndrome. Also called: Hereditary breast and ovarian cancer; Hereditary breast and ovarian cancer syndrome (HBOC); BRCA1- and BRCA2-Associated Hereditary Breast and Ovarian Cancer; Hereditary breast and ovarian cancer syndrome; Hereditary breast and/or ovarian cancer syndrome; Breast and ovarian cancer. Identifiers: Orphanet 145, MedGen C0677776, MeSH D061325, MONDO:0003582. Disease mechanism: loss of function.

Submissions (2):

Labcorp Genetics (formerly Invitae), Labcorp
Classification: Uncertain significance for Hereditary breast ovarian cancer syndrome. Last evaluated: 2024-04-10. Review status: criteria provided, single submitter. Criteria: Invitae Variant Classification Sherloc (09022015). Collection method: clinical testing. Allele origin: germline.
Comment: This sequence change replaces serine, which is neutral and polar, with arginine, which is basic and polar, at codon 1027 of the BRCA2 protein (p.Ser1027Arg). This variant is not present in population databases (gnomAD no frequency). This variant has not been reported in the literature in individuals affected with BRCA2-related conditions. ClinVar contains an entry for this variant (Variation ID: 639705). Advanced modeling of protein sequence and biophysical properties (such as structural, functional, and spatial information, amino acid conservation, physicochemical variation, residue mobility, and thermodynamic stability) performed at Invitae indicates that this missense variant is not expected to disrupt BRCA2 protein function with a negative predictive value of 95%. In summary, the available evidence is currently insufficient to determine the role of this variant in disease. Therefore, it has been classified as a Variant of Uncertain Significance.

University of Washington Department of Laboratory Medicine, University of Washington
Classification: Likely benign for Hereditary cancer-predisposing syndrome. Last evaluated: 2023-03-23. Review status: criteria provided, single submitter. Criteria: Dines et al. (Genet Med. 2020). Collection method: curation. Allele origin: germline.
Comment: Missense variant in a coldspot region where missense variants are very unlikely to be pathogenic (PMID:31911673).

BRCA2 exon 11 coldspot. Reclassification based on statistical prior probability.

NM_000059.4(BRCA2):c.3081C>A (p.Ser1027Arg)

Gene: BRCA2 (BRCA2 DNA repair associated; plus strand). Cytogenetic location: 13q13.1.
Variant type: single nucleotide variant.
Coding change: c.3081C>A on transcript NM_000059.4 (MANE Select); coding-DNA position 3081, C replaced by A.
Protein change: p.Ser1027Arg; replaces serine 1027 with arginine.
Molecular consequence: missense variant.
Genome position (GRCh38, 1-based): chr13:32,337,436, C>A. VCF-style: chr13-32337436-C-A. GRCh37 (hg19) VCF-style: chr13-32911573-C-A.
Other names: short protein forms S1027R.
Identifiers: ClinVar variation 639705 (VCV000639705.10), dbSNP rs1593898540, ClinGen allele CA387775216.
Genomic context (GRCh38, chr13:32,337,436, plus strand): 5'-TAGCTTCAGAACAGCTTCAAATAAGGAAATCAAGCTCTCTGAACATAACATTAAGAAGAG[C>A]AAAATGTTCTTCAAAGATATTGAAGAACAATATCCTACTAGTTTAGCTTGTGTTGAAATT-3'
Protein context (NP_000050.3, residues 1017-1037): IKLSEHNIKK[Ser1027Arg]KMFFKDIEEQ